The following is an entry in ClinVar:

ClinVar aggregate classification (germline): Likely benign. Review status: criteria provided, multiple submitters, no conflicts (2 of 4 stars). 3 submissions from 3 submitters: Likely benign (3). Last evaluated 2025-03-04.

Conditions:
Hereditary cancer-predisposing syndrome. Also called: Neoplastic Syndromes, Hereditary; Hereditary Cancer Syndrome; Tumor predisposition; Hereditary neoplastic syndrome. Identifiers: Orphanet 140162, MedGen C0027672, MeSH D009386, MONDO:0015356.
Familial cancer of breast. Also called: Hereditary breast cancer; BREAST CANCER, FAMILIAL; hereditary breast carcinoma. Identifiers: Orphanet 227535, MedGen C0346153, MONDO:0016419, OMIM 114480. Disease mechanism: loss of function.

Allele frequency attached by ClinVar (database versions not stated): gnomAD exomes below 0.00001 and 0.00002; TOPMed below 0.00001; ExAC 0.00002.

Submissions (3):

Center for Genomic Medicine, Rigshospitalet, Copenhagen University Hospital
Classification: Likely benign. Last evaluated: 2025-03-04. Review status: criteria provided, single submitter. Criteria: ACMG Guidelines, 2015. Collection method: clinical testing. Allele origin: germline.

Myriad Genetics, Inc.
Classification: Likely benign for Familial cancer of breast. Last evaluated: 2024-06-03. Review status: criteria provided, single submitter. Criteria: Myriad Autosomal Dominant, Autosomal Recessive and X-Linked Classification Criteria (2023). Collection method: clinical testing. Allele origin: unknown.
Comment: This variant is considered likely benign. This variant is intronic and is not expected to impact mRNA splicing.

Color Diagnostics, LLC DBA Color Health
Classification: Likely benign for Hereditary cancer-predisposing syndrome. Last evaluated: 2015-10-30. Review status: criteria provided, single submitter. Criteria: ACMG Guidelines, 2015. Collection method: clinical testing. Allele origin: germline.

NM_000051.4(ATM):c.6199-18_6199-15del

Genes: ATM (ATM serine/threonine kinase; plus strand), C11orf65 (chromosome 11 open reading frame 65; minus strand). Cytogenetic location: 11q22.3.
Variant type: Deletion.
Coding change: c.6199-18_6199-15del on transcript NM_000051.4 (MANE Select); 18 bases into the intron before coding-DNA position 6199 through 15 bases into the intron before coding-DNA position 6199, 4 bases deleted (AAAA; older notation c.6199-18_6199-15delAAAA).
Molecular consequence: intron variant.
Genome position (GRCh38, 1-based): chr11:108,317,355-108,317,358, AAAA deleted. VCF-style (leftmost placement, unchanged base first): chr11-108317354-CAAAA-C. GRCh37 (hg19) VCF-style: chr11-108188081-CAAAA-C.
Other names: c.6199-18_6199-15delAAAA (NM_000051.3, NM_000051.4); c.6199-18_6199-15del (NM_001351834.2); c.641-8287_641-8284del (NM_001330368.2); c.*39-8287_*39-8284del (NM_001351110.2).
Identifiers: ClinVar variation 490642 (VCV000490642.8), dbSNP rs777036353, ClinGen allele CA6265890.